The following is an entry in ClinVar:

ClinVar aggregate classification (germline): Uncertain significance (1 of 4 stars; one submission).

Conditions:
Infantile spasms. Also called: Infantile spasm. Identifiers: MedGen C3887898, HP:0012469.

Allele frequency attached by ClinVar (database versions not stated): gnomAD exomes below 0.00001.
gnomAD v4.1: 1 of 1,591,340 alleles (0.000063%); highest among the groups gnomAD compares: Non-Finnish European, 0.000086%; no homozygotes.

Submission:

Labcorp Genetics (formerly Invitae), Labcorp
Classification: Uncertain significance for Infantile spasms. Last evaluated: 2020-03-15. Review status: criteria provided, single submitter. Criteria: Invitae Variant Classification Sherloc (09022015). Collection method: clinical testing. Allele origin: germline.
Comment: In summary, the available evidence is currently insufficient to determine the role of this variant in disease. Therefore, it has been classified as a Variant of Uncertain Significance. Nucleotide substitutions within the consensus splice site are a relatively common cause of aberrant splicing (PMID: 17576681, 9536098). Algorithms developed to predict the effect of sequence changes on RNA splicing suggest that this variant is not likely to affect RNA splicing, but this prediction has not been confirmed by published transcriptional studies. This variant has not been reported in the literature in individuals with PIK3AP1-related conditions. This variant is not present in population databases (ExAC no frequency). This sequence change falls in intron 16 of the PIK3AP1 gene. It does not directly change the encoded amino acid sequence of the PIK3AP1 protein, but it affects a nucleotide within the consensus splice site of the intron.

Literature cited by the submitters: PubMed 17576681; PubMed 9536098.

NM_152309.3(PIK3AP1):c.2360+6A>G

Gene: PIK3AP1 (phosphoinositide-3-kinase adaptor protein 1; minus strand). Cytogenetic location: 10q24.1.
Variant type: single nucleotide variant.
Coding change: c.2360+6A>G on transcript NM_152309.3 (MANE Select); 6 bases into the intron after coding-DNA position 2360, A replaced by G.
Molecular consequence: intron variant.
Genome position (GRCh38, 1-based): chr10:96,602,274, T>C on the plus strand (A>G on the coding strand, the complement: PIK3AP1 is on the minus strand). VCF-style: chr10-96602274-T-C. GRCh37 (hg19) VCF-style: chr10-98362031-T-C.
Identifiers: ClinVar variation 1010512 (VCV001010512.8), dbSNP rs1848911558, ClinGen allele CA1930047697.